The following is an entry in ClinVar:

NM_000492.4(CFTR):c.3511A>G (p.Thr1171Ala)

Genes: CFTR (CF transmembrane conductance regulator; plus strand), CFTR-AS2 (CFTR antisense RNA 2; minus strand). Cytogenetic location: 7q31.2.
Variant type: single nucleotide variant.
Coding change: c.3511A>G on transcript NM_000492.4 (MANE Select); coding-DNA position 3511, A replaced by G.
Protein change: p.Thr1171Ala; replaces threonine 1171 with alanine.
Molecular consequence: missense variant.
Genome position (GRCh38, 1-based): chr7:117,627,564, A>G. VCF-style: chr7-117627564-A-G. GRCh37 (hg19) VCF-style: chr7-117267618-A-G.
Other names: c.3511A>G (NM_000492.3); short protein forms T1171A.
Identifiers: ClinVar variation 1398500 (VCV001398500.6), dbSNP rs778797502, ClinGen allele CA4451488.
Genomic context (GRCh38, chr7:117,627,564, plus strand): 5'-TTGTTATTTTTATTTCAGATGCGATCTGTGAGCCGAGTCTTTAAGTTCATTGACATGCCA[A>G]CAGAAGGTAAACCTACCAAGTCAACCAAACCATACAAGAATGGCCAACTCTCGAAAGTTA-3'
Protein context (NP_000483.3, residues 1161-1181): SRVFKFIDMP[Thr1171Ala]EGKPTKSTKP

ClinVar aggregate classification (germline): Uncertain significance. Review status: criteria provided, multiple submitters, no conflicts (2 of 4 stars). 2 submissions from 2 submitters: Uncertain significance (2). Last evaluated 2025-01-23.

Conditions:
Cystic fibrosis (CF). Also called: MUCOVISCIDOSIS. Identifiers: Orphanet 586, MedGen C0010674, MONDO:0009061, OMIM 219700. Disease mechanism: loss of function.

Allele frequency attached by ClinVar (database versions not stated): ExAC 0.00001; gnomAD 0.00001; gnomAD exomes 0.00001.
gnomAD v4.1: 6 of 1,613,344 alleles (0.00037%); highest among the groups gnomAD compares: East Asian, 0.011%; no homozygotes.

Submissions (2):

Ambry Genetics
Classification: Uncertain significance for Cystic fibrosis. Last evaluated: 2025-01-23. Review status: criteria provided, single submitter. Criteria: Ambry Variant Classification Scheme 2023. Collection method: clinical testing. Allele origin: germline.
Comment: The p.T1171A variant (also known as c.3511A>G), located in coding exon 22 of the CFTR gene, results from an A to G substitution at nucleotide position 3511. The threonine at codon 1171 is replaced by alanine, an amino acid with similar properties. This amino acid position is not well conserved in available vertebrate species. In addition, this alteration is predicted to be tolerated by in silico analysis. Based on the available evidence, the clinical significance of this variant remains unclear.

Labcorp Genetics (formerly Invitae), Labcorp
Classification: Uncertain significance for Cystic fibrosis. Last evaluated: 2021-09-02. Review status: criteria provided, single submitter. Criteria: Invitae Variant Classification Sherloc (09022015). Collection method: clinical testing. Allele origin: germline.
Comment: This sequence change replaces threonine with alanine at codon 1171 of the CFTR protein (p.Thr1171Ala). The threonine residue is moderately conserved and there is a small physicochemical difference between threonine and alanine. This variant is present in population databases (rs778797502, ExAC 0.01%). This variant has not been reported in the literature in individuals affected with CFTR-related conditions. Algorithms developed to predict the effect of missense changes on protein structure and function output the following: SIFT: "Tolerated"; PolyPhen-2: "Benign"; Align-GVGD: "Class C0". The alanine amino acid residue is found in multiple mammalian species, which suggests that this missense change does not adversely affect protein function. In summary, the available evidence is currently insufficient to determine the role of this variant in disease. Therefore, it has been classified as a Variant of Uncertain Significance.